The following is an entry in ClinVar:

ClinVar aggregate classification (germline): Uncertain significance (1 of 4 stars; one submission).

Submission:

Ambry Genetics
Classification: Uncertain significance. Last evaluated: 2025-08-31. Review status: criteria provided, single submitter. Criteria: Ambry Variant Classification Scheme 2023. Collection method: clinical testing. Allele origin: germline.
Comment: The p.A1986D variant (also known as c.5957C>A), located in coding exon 24 of the WNK2 gene, results from a C to A substitution at nucleotide position 5957. The alanine at codon 1986 is replaced by aspartic acid, an amino acid with dissimilar properties. This amino acid position is conserved. In addition, this alteration is predicted to be tolerated by in silico analysis. Based on the available evidence, the clinical significance of this variant remains unclear.

NM_006648.4(WNK2):c.5957C>A (p.Ala1986Asp)

Gene: WNK2 (WNK lysine deficient protein kinase 2; plus strand). Cytogenetic location: 9q22.31.
Variant type: single nucleotide variant.
Coding change: c.5957C>A on transcript NM_006648.4 (MANE Select); coding-DNA position 5957, C replaced by A.
Protein change: p.Ala1986Asp; replaces alanine 1986 with aspartic acid.
Molecular consequence: missense variant.
Genome position (GRCh38, 1-based): chr9:93,299,103, C>A. VCF-style: chr9-93299103-C-A. GRCh37 (hg19) VCF-style: chr9-96061385-C-A.
Other names: c.6068C>A, p.Ala2023Asp (NM_001282394.3); short protein forms A1986D, A2023D.
Identifiers: ClinVar variation 4201845 (VCV004201845.1).